The following is an entry in ClinVar:

NM_001174147.2(LMX1B):c.835C>G (p.Arg279Gly)

Gene: LMX1B (LIM homeobox transcription factor 1 beta; plus strand). Cytogenetic location: 9q33.3.
Variant type: single nucleotide variant.
Coding change: c.835C>G on transcript NM_001174147.2 (MANE Select); coding-DNA position 835, C replaced by G.
Protein change: p.Arg279Gly; replaces arginine 279 with glycine.
Molecular consequence: missense variant.
Genome position (GRCh38, 1-based): chr9:126,693,761, C>G. VCF-style: chr9-126693761-C-G. GRCh37 (hg19) VCF-style: chr9-129456040-C-G.
Other names: c.835C>G, p.Arg279Gly (NM_001174146.2, NM_002316.4); short protein forms R279G.
Identifiers: ClinVar variation 4540208 (VCV004540208.1).
Genomic context (GRCh38, chr9:126,693,761, plus strand): 5'-TGGGGGCGAGGGGCAGCACCGGCCTGAACTGCGCTCTCCCTGCAGATGAAGAAGCTGGCG[C>G]GGCGGCACCAGCAGCAGCAGGAGCAGCAGAACTCCCAGCGGCTGGGCCAGGGTGAGCCGG-3'
Protein context (NP_001167618.1, residues 269-289): NQRAKMKKLA[Arg279Gly]RHQQQQEQQN

ClinVar aggregate classification (germline): Uncertain significance (1 of 4 stars; one submission).

Submission:

GeneDx
Classification: Uncertain significance. Last evaluated: 2025-06-23. Review status: criteria provided, single submitter. Criteria: GeneDx Variant Classification Process June 2021. Collection method: clinical testing. Allele origin: germline. Affected: yes.
Comment: Not observed at significant frequency in large population cohorts (gnomAD); In silico analysis supports that this missense variant has a deleterious effect on protein structure/function; Has not been previously published as pathogenic or benign to our knowledge